The following is an entry in ClinVar:

ClinVar aggregate classification (germline): Uncertain significance (1 of 4 stars; one submission).

Conditions:
Aicardi-Goutieres syndrome 5. Identifiers: Orphanet 51, MedGen C2749659, MONDO:0013059, OMIM 612952.

Submission:

Labcorp Genetics (formerly Invitae), Labcorp
Classification: Uncertain significance for Aicardi-Goutieres syndrome 5. Last evaluated: 2019-11-26. Review status: criteria provided, single submitter. Criteria: Invitae Variant Classification Sherloc (09022015). Collection method: clinical testing. Allele origin: germline.
Comment: In summary, the available evidence is currently insufficient to determine the role of this variant in disease. Therefore, it has been classified as a Variant of Uncertain Significance. Algorithms developed to predict the effect of missense changes on protein structure and function output the following: SIFT: "Deleterious"; PolyPhen-2: "Benign"; Align-GVGD: "Class C0". The asparagine amino acid residue is found in multiple mammalian species, suggesting that this missense change does not adversely affect protein function. These predictions have not been confirmed by published functional studies and their clinical significance is uncertain. This variant has not been reported in the literature in individuals with SAMHD1-related conditions. This variant is not present in population databases (ExAC no frequency). This sequence change replaces lysine with asparagine at codon 512 of the SAMHD1 protein (p.Lys512Asn). The lysine residue is moderately conserved and there is a moderate physicochemical difference between lysine and asparagine.

NM_015474.4(SAMHD1):c.1536G>C (p.Lys512Asn)

Gene: SAMHD1 (SAM and HD domain containing deoxynucleoside triphosphate triphosphohydrolase 1; minus strand). Cytogenetic location: 20q11.23.
Variant type: single nucleotide variant.
Coding change: c.1536G>C on transcript NM_015474.4 (MANE Select); coding-DNA position 1536, G replaced by C.
Protein change: p.Lys512Asn; replaces lysine 512 with asparagine.
Molecular consequence: missense variant. On other transcripts: intron variant (1).
Genome position (GRCh38, 1-based): chr20:36,898,512, C>G on the plus strand (G>C on the coding strand, the complement: SAMHD1 is on the minus strand). VCF-style: chr20-36898512-C-G. GRCh37 (hg19) VCF-style: chr20-35526915-C-G.
Other names: c.1536G>C, p.Lys512Asn (NM_001363733.2); c.1504-553G>C (NM_001363729.2); short protein forms K512N.
Identifiers: ClinVar variation 864608 (VCV000864608.9), dbSNP rs999709360, ClinGen allele CA408840326.